The following is an entry in ClinVar:

ClinVar aggregate classification (germline): Likely pathogenic (1 of 4 stars; one submission).

Submission:

Mayo Clinic Laboratories, Mayo Clinic
Classification: Likely pathogenic. Last evaluated: 2023-08-07. Review status: criteria provided, single submitter. Criteria: ACMG Guidelines, 2015. Collection method: clinical testing. Allele origin: germline. Observed: 1 variant allele.
Comment: PM2_moderate, PVS1

NM_001355436.2(SPTB):c.760G>T (p.Glu254Ter)

Gene: SPTB (spectrin beta, erythrocytic; minus strand). Cytogenetic location: 14q23.3.
Variant type: single nucleotide variant.
Coding change: c.760G>T on transcript NM_001355436.2 (MANE Select); coding-DNA position 760, G replaced by T.
Protein change: p.Glu254Ter; replaces glutamic acid 254 with a stop codon.
Molecular consequence: nonsense.
Genome position (GRCh38, 1-based): chr14:64,801,288, C>A on the plus strand (G>T on the coding strand, the complement: SPTB is on the minus strand). VCF-style: chr14-64801288-C-A. GRCh37 (hg19) VCF-style: chr14-65268006-C-A.
Other names: p.Glu254*; c.760G>T, p.Glu254Ter (NM_001024858.4, NM_001355437.2); short protein forms E254*.
Identifiers: ClinVar variation 3381121 (VCV003381121.1).